The following is an entry in ClinVar:

ClinVar aggregate classification (germline): Pathogenic (1 of 4 stars; one submission).

Conditions:
Tuberous sclerosis 2 (TSC2). Identifiers: Orphanet 805, MedGen C1860707, MONDO:0013199, OMIM 613254.

Submission:

Labcorp Genetics (formerly Invitae), Labcorp
Classification: Pathogenic for Tuberous sclerosis 2. Last evaluated: 2024-02-10. Review status: criteria provided, single submitter. Criteria: Invitae Variant Classification Sherloc (09022015). Collection method: clinical testing. Allele origin: germline.
Comment: This sequence change creates a premature translational stop signal (p.Thr1623Hisfs*30) in the TSC2 gene. It is expected to result in an absent or disrupted protein product. Loss-of-function variants in TSC2 are known to be pathogenic (PMID: 10205261, 17304050). This variant is not present in population databases (gnomAD no frequency). This variant has not been reported in the literature in individuals affected with TSC2-related conditions. For these reasons, this variant has been classified as Pathogenic.

Literature cited by the submitters: PubMed 10205261; PubMed 17304050.

NM_000548.5(TSC2):c.4866dup (p.Thr1623fs)

Gene: TSC2 (TSC complex subunit 2; plus strand). Cytogenetic location: 16p13.3.
Variant type: Duplication.
Coding change: c.4866dup on transcript NM_000548.5 (MANE Select); coding-DNA position 4866, one base duplicated (C; older notation c.4866dupC).
Protein change: p.Thr1623fs; shifts the reading frame from threonine 1623.
Molecular consequence: frameshift variant. On other transcripts: non-coding transcript variant (4).
Genome position (GRCh38, 1-based): chr16:2,086,748, C duplicated; the last of 2 consecutive C bases (chr16:2,086,747-2,086,748); duplicating either gives the same sequence. VCF-style (leftmost placement, unchanged base first): chr16-2086746-G-GC. GRCh37 (hg19) VCF-style: chr16-2136747-G-GC.
Other names: c.4065dup, p.Thr1356fs (NM_001406687.1, NM_001406688.1); c.3453dup, p.Thr1152fs (NM_001406689.1); c.4194dup, p.Thr1399fs (NM_001406684.1); c.4068dup, p.Thr1357fs (NM_001406685.1, NM_001406686.1); c.3393dup, p.Thr1132fs (NM_001406690.1); c.3390dup, p.Thr1131fs (NM_001406691.1); c.3324dup, p.Thr1109fs (NM_001406692.1, NM_001406693.1, NM_001406694.1); c.3321dup, p.Thr1108fs (NM_001406695.1, NM_001406696.1, NM_001406697.1); and 26 more; short protein forms T1108fs, T1131fs, T1356fs, T1357fs, T1423fs, T1552fs, T1563fs, T1579fs.
Identifiers: ClinVar variation 3640009 (VCV003640009.2).